The following is an entry in ClinVar:

ClinVar aggregate classification (germline): Pathogenic (1 of 4 stars; one submission).

Conditions:
Congenital bile acid synthesis defect 1 (CBAS1). Also called: 3-BETA-HYDROXY-DELTA-5-C27-STEROID OXIDOREDUCTASE DEFICIENCY. Identifiers: Orphanet 79301, MedGen C1843116, MONDO:0011906, OMIM 607765.

Submission:

3billion
Classification: Pathogenic for Congenital bile acid synthesis defect 1. Last evaluated: 2024-07-25. Review status: criteria provided, single submitter. Criteria: ACMG Guidelines, 2015. Collection method: clinical testing. Allele origin: germline. Affected: yes.
Comment: The variant is not observed in the gnomAD v4.0.0 dataset. Predicted Consequence/Location: Stop-gained (nonsense): predicted to result in a loss or disruption of normal protein function through nonsense-mediated decay (NMD) or protein truncation. Multiple pathogenic variants are reported downstream of the variant. The variant has been reported to be associated with HSD3B7-related disorder (PMID: 12679481). Therefore, this variant is classified as Pathogenic according to the recommendation of ACMG/AMP guideline.

Literature cited by the submitters: PubMed 12679481.

NM_025193.4(HSD3B7):c.16C>T (p.Gln6Ter)

Gene: HSD3B7 (hydroxy-delta-5-steroid dehydrogenase, 3 beta- and steroid delta-isomerase 7; plus strand). Cytogenetic location: 16p11.2.
Variant type: single nucleotide variant.
Coding change: c.16C>T on transcript NM_025193.4 (MANE Select); coding-DNA position 16, C replaced by T.
Protein change: p.Gln6Ter; replaces glutamine 6 with a stop codon.
Molecular consequence: nonsense.
Genome position (GRCh38, 1-based): chr16:30,985,674, C>T. VCF-style: chr16-30985674-C-T. GRCh37 (hg19) VCF-style: chr16-30996995-C-T.
Other names: c.16C>T, p.Gln6Ter (NM_001142777.2, NM_001142778.2); short protein forms Q6*.
Identifiers: ClinVar variation 4291805 (VCV004291805.1).